The following is an entry in ClinVar:

ClinVar aggregate classification (germline): Uncertain significance (1 of 4 stars; one submission).

Allele frequency attached by ClinVar (database versions not stated): TOPMed 0.00001.
gnomAD v4.1: 105 of 1,614,008 alleles (0.0065%); highest among the groups gnomAD compares: East Asian, 0.045%; no homozygotes.

Submission:

Labcorp Genetics (formerly Invitae), Labcorp
Classification: Uncertain significance. Last evaluated: 2021-09-24. Review status: criteria provided, single submitter. Criteria: Invitae Variant Classification Sherloc (09022015). Collection method: clinical testing. Allele origin: germline.
Comment: This sequence change replaces arginine with glutamine at codon 666 of the LIFR protein (p.Arg666Gln). The arginine residue is weakly conserved and there is a small physicochemical difference between arginine and glutamine. This variant is present in population databases (rs748647105, ExAC 0.006%). This variant has not been reported in the literature in individuals with LIFR-related conditions. Algorithms developed to predict the effect of missense changes on protein structure and function output the following: SIFT: "Tolerated"; PolyPhen-2: "Benign"; Align-GVGD: "Class C0". The glutamine amino acid residue is found in multiple mammalian species, suggesting that this missense change does not adversely affect protein function. These predictions have not been confirmed by published functional studies and their clinical significance is uncertain. Algorithms developed to predict the effect of sequence changes on RNA splicing suggest that this variant may create or strengthen a splice site, but this prediction has not been confirmed by published transcriptional studies. In summary, the available evidence is currently insufficient to determine the role of this variant in disease. Therefore, it has been classified as a Variant of Uncertain Significance.

NM_001127671.2(LIFR):c.1997G>A (p.Arg666Gln)

Gene: LIFR (LIF receptor subunit alpha; minus strand). Cytogenetic location: 5p13.1.
Variant type: single nucleotide variant.
Coding change: c.1997G>A on transcript NM_001127671.2 (MANE Select); coding-DNA position 1997, G replaced by A.
Protein change: p.Arg666Gln; replaces arginine 666 with glutamine.
Molecular consequence: missense variant.
Genome position (GRCh38, 1-based): chr5:38,493,674, C>T on the plus strand (G>A on the coding strand, the complement: LIFR is on the minus strand). VCF-style: chr5-38493674-C-T. GRCh37 (hg19) VCF-style: chr5-38493776-C-T.
Other names: c.1997G>A, p.Arg666Gln (NM_001364297.2, NM_001364298.2, NM_002310.6); short protein forms R666Q.
Identifiers: ClinVar variation 1510190 (VCV001510190.5), dbSNP rs748647105, ClinGen allele CA3242784.